The following is an entry in ClinVar:

NM_000135.4(FANCA):c.4081T>C (p.Tyr1361His)

Genes: FANCA (FA complementation group A; minus strand), ZNF276 (zinc finger protein 276; plus strand). Cytogenetic location: 16q24.3.
Variant type: single nucleotide variant.
Coding change: c.4081T>C on transcript NM_000135.4 (MANE Select); coding-DNA position 4081, T replaced by C.
Protein change: p.Tyr1361His; replaces tyrosine 1361 with histidine.
Molecular consequence: missense variant. On other transcripts: 3 prime UTR variant (2), non-coding transcript variant (4).
Genome position (GRCh38, 1-based): chr16:89,739,219, A>G on the plus strand (T>C on the coding strand, the complement: FANCA is on the minus strand). VCF-style: chr16-89739219-A-G. GRCh37 (hg19) VCF-style: chr16-89805627-A-G.
Other names: c.4081T>C, p.Tyr1361His (NM_001286167.3); c.*973A>G (NM_001113525.2, NM_152287.4); short protein forms Y1361H.
Identifiers: ClinVar variation 3614651 (VCV003614651.2).
Genomic context (GRCh38, chr16:89,739,219, plus strand): 5'-CAGCTGGAGGTGAAACTGTGCTTGTATCCCCAGCCACGAAGAGCTGGACCAGCTTCAAGT[A>G]CATGTCCACAGCAACATGCAGGAAGGCCTCTTCCCTGATGGCCGCGTCTTCATGGAAGTA-3'
Protein context (NP_000126.2, residues 1351-1371): EAFLHVAVDM[Tyr1361His]LKLVQLFVAG

ClinVar aggregate classification (germline): Uncertain significance (1 of 4 stars; one submission).

Conditions:
Fanconi anemia (FA). Also called: Fanconi's anemia. Identifiers: Orphanet 84, MedGen C0015625, MeSH D005199, MONDO:0019391.

Submission:

Labcorp Genetics (formerly Invitae), Labcorp
Classification: Uncertain significance for Fanconi anemia. Last evaluated: 2024-12-18. Review status: criteria provided, single submitter. Criteria: Invitae Variant Classification Sherloc (09022015). Collection method: clinical testing. Allele origin: germline.
Comment: This sequence change replaces tyrosine, which is neutral and polar, with histidine, which is basic and polar, at codon 1361 of the FANCA protein (p.Tyr1361His). This variant is not present in population databases (gnomAD no frequency). This variant has not been reported in the literature in individuals affected with FANCA-related conditions. Invitae Evidence Modeling of protein sequence and biophysical properties (such as structural, functional, and spatial information, amino acid conservation, physicochemical variation, residue mobility, and thermodynamic stability) indicates that this missense variant is expected to disrupt FANCA protein function with a positive predictive value of 95%. In summary, the available evidence is currently insufficient to determine the role of this variant in disease. Therefore, it has been classified as a Variant of Uncertain Significance.